The following is an entry in ClinVar:

ClinVar aggregate classification (germline): Uncertain significance (1 of 4 stars; one submission).

Allele frequency attached by ClinVar (database versions not stated): gnomAD exomes below 0.00001.
gnomAD v4.1: 3 of 1,614,098 alleles (0.00019%); highest among the groups gnomAD compares: Non-Finnish European, 0.00025%; no homozygotes.

Submission:

Ambry Genetics
Classification: Uncertain significance. Last evaluated: 2023-06-05. Review status: criteria provided, single submitter. Criteria: Ambry Variant Classification Scheme 2023. Collection method: clinical testing. Allele origin: germline.
Comment: The p.P1715L variant (also known as c.5144C>T), located in coding exon 4 of the ALPK2 gene, results from a C to T substitution at nucleotide position 5144. The proline at codon 1715 is replaced by leucine, an amino acid with similar properties. This amino acid position is conserved. In addition, this alteration is predicted to be tolerated by in silico analysis. Since supporting evidence is limited at this time, the clinical significance of this alteration remains unclear.

NM_052947.4(ALPK2):c.5144C>T (p.Pro1715Leu)

Genes: ALPK2 (alpha kinase 2; minus strand), LOC130062577 (ATAC-STARR-seq lymphoblastoid active region 13389; plus strand). Cytogenetic location: 18q21.31.
Variant type: single nucleotide variant.
Coding change: c.5144C>T on transcript NM_052947.4 (MANE Select); coding-DNA position 5144, C replaced by T.
Protein change: p.Pro1715Leu; replaces proline 1715 with leucine.
Molecular consequence: missense variant.
Genome position (GRCh38, 1-based): chr18:58,535,043, G>A on the plus strand (C>T on the coding strand, the complement: ALPK2 is on the minus strand). VCF-style: chr18-58535043-G-A. GRCh37 (hg19) VCF-style: chr18-56202275-G-A.
Other names: short protein forms P1715L.
Identifiers: ClinVar variation 2560604 (VCV002560604.2), dbSNP rs2518873396, ClinGen allele CA402557897.